The following is an entry in ClinVar:

NM_001371986.1(UNC80):c.6645_6646+3dup

Gene: UNC80 (unc-80 subunit of NALCN channel complex; plus strand). Cytogenetic location: 2q34.
Variant type: Duplication.
Coding change: c.6645_6646+3dup on transcript NM_001371986.1 (MANE Select); coding-DNA position 6645 through 3 bases into the intron after coding-DNA position 6646, 5 bases duplicated (AGGTA; older notation c.6645_6646+3dupAGGTA).
Molecular consequence: splice donor variant.
Genome position (GRCh38, 1-based): chr2:209,939,651-209,939,655, AGGTA duplicated; duplicating any 5 consecutive bases within chr2:209,939,650-209,939,655 gives the same sequence; the c. name uses the placement nearest the transcript's 3' end. VCF-style (leftmost placement, unchanged base first): chr2-209939649-C-CAAGGT. GRCh37 (hg19) VCF-style: chr2-210804373-C-CAAGGT.
Other names: c.6447_6448+3dup (NM_032504.2); c.6432_6433+3dup (NM_182587.4).
Identifiers: ClinVar variation 1467893 (VCV001467893.6), dbSNP rs1263562958, ClinGen allele CA764106064.

ClinVar aggregate classification (germline): Uncertain significance (1 of 4 stars; one submission).

Submission:

Labcorp Genetics (formerly Invitae), Labcorp
Classification: Uncertain significance. Last evaluated: 2022-06-20. Review status: criteria provided, single submitter. Criteria: Invitae Variant Classification Sherloc (09022015). Collection method: clinical testing. Allele origin: germline.
Comment: This variant has not been reported in the literature in individuals affected with UNC80-related conditions. In summary, the available evidence is currently insufficient to determine the role of this variant in disease. Therefore, it has been classified as a Variant of Uncertain Significance. Variants that disrupt the consensus splice site are a relatively common cause of aberrant splicing (PMID: 17576681, 9536098). Algorithms developed to predict the effect of sequence changes on RNA splicing suggest that this variant may disrupt the consensus splice site. This variant is not present in population databases (gnomAD no frequency). This sequence change falls in intron 42 of the UNC80 gene. It does not directly change the encoded amino acid sequence of the UNC80 protein. It affects a nucleotide within the consensus splice site.

Literature cited by the submitters: PubMed 17576681; PubMed 9536098.